The following is an entry in ClinVar:

ClinVar aggregate classification (germline): Likely benign (1 of 4 stars; one submission).

Conditions:
Melanoma, cutaneous malignant, susceptibility to, 3. Also called: Cutaneous malignant melanoma 3. Identifiers: Orphanet 618, MedGen C1836892, MONDO:0012183, OMIM 609048.

Submission:

Myriad Genetics, Inc.
Classification: Likely benign for Melanoma, cutaneous malignant, susceptibility to, 3. Last evaluated: 2024-09-26. Review status: criteria provided, single submitter. Criteria: Myriad Autosomal Dominant, Autosomal Recessive and X-Linked Classification Criteria (2023). Collection method: clinical testing. Allele origin: unknown.
Comment: This variant is considered likely benign. This variant is intronic and is not expected to impact mRNA splicing.

NM_000075.4(CDK4):c.523-19T>C

Gene: CDK4 (cyclin dependent kinase 4; minus strand). Cytogenetic location: 12q14.1.
Variant type: single nucleotide variant.
Coding change: c.523-19T>C on transcript NM_000075.4 (MANE Select); 19 bases into the intron before coding-DNA position 523, T replaced by C.
Molecular consequence: intron variant.
Genome position (GRCh38, 1-based): chr12:57,750,784, A>G on the plus strand (T>C on the coding strand, the complement: CDK4 is on the minus strand). VCF-style: chr12-57750784-A-G. GRCh37 (hg19) VCF-style: chr12-58144567-A-G.
Identifiers: ClinVar variation 3378659 (VCV003378659.1).
Genomic context (GRCh38, chr12:57,750,784, plus strand): 5'-CTGCAGAAGAACTTCGGGAGCTCGGTACCAGAGTGTAACAACCTAAAGGGAATAGGAAGA[A>G]TGGATGGGGACCCCATGGGTTACCATGAAACACAACTTGCTTGACTGAACACATGAAGCA-3'